The following is an entry in ClinVar:

ClinVar aggregate classification (germline): Likely benign. Review status: criteria provided, multiple submitters, no conflicts (2 of 4 stars). 3 submissions from 3 submitters: Likely benign (2). 1 of the submissions does not count toward it. Last evaluated 2025-10-06.

Conditions:
FGFR3-related disorder. Also called: FGFR3-related disorders.

Allele frequency attached by ClinVar (database versions not stated): gnomAD 0.00005 and 0.00006; TOPMed 0.00011; ESP Exome Variant Server 0.00016.

Submissions (3):

Labcorp Genetics (formerly Invitae), Labcorp
Classification: Likely benign. Last evaluated: 2025-10-06. Review status: criteria provided, single submitter. Criteria: Invitae Variant Classification Sherloc (09022015). Collection method: clinical testing. Allele origin: germline.

Blueprint Genetics
Classification: Likely benign. Last evaluated: 2021-08-25. Review status: criteria provided, single submitter. Criteria: ACMG Guidelines, 2015. Collection method: clinical testing. Allele origin: germline.

PreventionGenetics, part of Exact Sciences
Classification: Likely benign for FGFR3-related condition. Last evaluated: 2024-05-29. Review status: no assertion criteria provided. Collection method: clinical testing. Allele origin: germline. Not counted in ClinVar's aggregate classification.
Comment: This variant is classified as likely benign based on ACMG/AMP sequence variant interpretation guidelines (Richards et al. 2015 PMID: 25741868, with internal and published modifications).

NM_000142.5(FGFR3):c.1356C>A (p.Ala452=)

Gene: FGFR3 (fibroblast growth factor receptor 3; plus strand). Cytogenetic location: 4p16.3.
Variant type: single nucleotide variant.
Coding change: c.1356C>A on transcript NM_000142.5 (MANE Select); coding-DNA position 1356, C replaced by A.
Protein change: p.Ala452=; no amino-acid change (alanine 452 retained).
Molecular consequence: synonymous variant. On other transcripts: non-coding transcript variant (1).
Genome position (GRCh38, 1-based): chr4:1,804,913, C>A. VCF-style: chr4-1804913-C-A. GRCh37 (hg19) VCF-style: chr4-1806640-C-A.
Other names: c.1362C>A, p.Ala454= (NM_001163213.2); c.1359C>A, p.Ala453= (NM_001354809.2, NM_001354810.2); c.1020C>A, p.Ala340= (NM_022965.4).
Identifiers: ClinVar variation 703083 (VCV000703083.9), dbSNP rs149555011, ClinGen allele CA91254583.